The following is an entry in ClinVar:

ClinVar aggregate classification (germline): Likely benign (1 of 4 stars; one submission).

Submission:

GeneDx
Classification: Likely benign. Last evaluated: 2022-01-12. Review status: criteria provided, single submitter. Criteria: GeneDx Variant Classification Process June 2021. Collection method: clinical testing. Allele origin: germline. Affected: yes.
Comment: Has not been previously published as pathogenic or benign to our knowledge; Not observed at significant frequency in large population cohorts (gnomAD); In silico analysis supports that this missense variant does not alter protein structure/function

NM_001282531.3(ADNP):c.1847A>G (p.Lys616Arg)

Gene: ADNP (activity dependent neuroprotector homeobox; minus strand). Cytogenetic location: 20q13.13.
Variant type: single nucleotide variant.
Coding change: c.1847A>G on transcript NM_001282531.3 (MANE Select); coding-DNA position 1847, A replaced by G.
Protein change: p.Lys616Arg; replaces lysine 616 with arginine.
Molecular consequence: missense variant.
Genome position (GRCh38, 1-based): chr20:50,892,867, T>C on the plus strand (A>G on the coding strand, the complement: ADNP is on the minus strand). VCF-style: chr20-50892867-T-C. GRCh37 (hg19) VCF-style: chr20-49509404-T-C.
Other names: c.1847A>G, p.Lys616Arg (NM_001282532.2, NM_001347511.2, NM_015339.5 and 1 more transcripts); short protein forms K616R.
Identifiers: ClinVar variation 1342109 (VCV001342109.2), dbSNP rs2122749365, ClinGen allele CA408972106.
Genomic context (GRCh38, chr20:50,892,867, plus strand): 5'-GATATGGGTCCTTTTAGGATTGAAAAGCAAAGAGGACAAAGGGTTTTCCCAACATCTTTT[T>C]TATAGGGCACTGCAGCTTGAGGTGAACTTTTTACAGGGATATCTGCCTTTTCCTGAACCT-3'
Protein context (NP_001269460.1, residues 606-626): KSSPQAAVPY[Lys616Arg]KDVGKTLCPL